The following is an entry in ClinVar:

NM_001360016.2(G6PD):c.356A>C (p.Gln119Pro)

Gene: G6PD (glucose-6-phosphate dehydrogenase; minus strand). Cytogenetic location: Xq28.
Variant type: single nucleotide variant.
Coding change: c.356A>C on transcript NM_001360016.2 (MANE Select); coding-DNA position 356, A replaced by C.
Protein change: p.Gln119Pro; replaces glutamine 119 with proline.
Molecular consequence: missense variant.
Genome position (GRCh38, 1-based): chrX:154,535,297, T>G on the plus strand (A>C on the coding strand, the complement: G6PD is on the minus strand). VCF-style: chrX-154535297-T-G. GRCh37 (hg19) VCF-style: chrX-153763512-T-G.
Other names: c.446A>C, p.Gln149Pro (NM_000402.4); c.356A>C, p.Gln119Pro (NM_001042351.3); short protein forms Q119P, Q149P.
Identifiers: ClinVar variation 1722720 (VCV001722720.2), dbSNP rs2523271147, ClinGen allele CA415238805.

ClinVar aggregate classification (germline): Likely pathogenic (1 of 4 stars; one submission).

Conditions:
Anemia, nonspherocytic hemolytic, due to G6PD deficiency (CNSHA1). Also called: Hemolytic anemia due to G6PD deficiency; Class I glucose-6-phosphate dehydrogenase deficiency; Favism, susceptibility to; ANEMIA, CONGENITAL, NONSPHEROCYTIC HEMOLYTIC, 1. Identifiers: Orphanet 466026, MedGen C2720289, MONDO:0010480, OMIM 300908.

Submission:

Dunham Lab, University of Washington
Classification: Likely pathogenic for Anemia, nonspherocytic hemolytic, due to G6PD deficiency. Last evaluated: 2022-08-12. Review status: criteria provided, single submitter. Criteria: Bayesian ACMG Guidelines, 2018. Collection method: curation. Allele origin: unknown. Affected: yes.
Comment: Decreased activity in red blood cells of heterozygote (16-33%) (PS3). Not observed in gnomAD (PM2). Post_P 0.949 (odds of pathogenicity 168.4, Prior_P 0.1).

Literature cited by the submitters: PubMed 34620237.